The following is an entry in ClinVar:

ClinVar aggregate classification (germline): Uncertain significance. Review status: criteria provided, multiple submitters, no conflicts (2 of 4 stars). 2 submissions from 2 submitters: Uncertain significance (2). Last evaluated 2025-08-29.

Submissions (2):

Labcorp Genetics (formerly Invitae), Labcorp
Classification: Uncertain significance. Last evaluated: 2025-08-29. Review status: criteria provided, single submitter. Criteria: Invitae Variant Classification Sherloc (09022015). Collection method: clinical testing. Allele origin: germline.
Comment: This sequence change replaces proline, which is neutral and non-polar, with alanine, which is neutral and non-polar, at codon 252 of the APCDD1 protein (p.Pro252Ala). This variant is present in population databases (rs549800578, gnomAD 0.02%). This variant has not been reported in the literature in individuals affected with APCDD1-related conditions. ClinVar contains an entry for this variant (Variation ID: 2532994). Invitae Evidence Modeling of protein sequence and biophysical properties (such as structural, functional, and spatial information, amino acid conservation, physicochemical variation, residue mobility, and thermodynamic stability) indicates that this missense variant is not expected to disrupt APCDD1 protein function with a negative predictive value of 80%. In summary, the available evidence is currently insufficient to determine the role of this variant in disease. Therefore, it has been classified as a Variant of Uncertain Significance.

Ambry Genetics
Classification: Uncertain significance. Last evaluated: 2025-08-02. Review status: criteria provided, single submitter. Criteria: Ambry Variant Classification Scheme 2023. Collection method: clinical testing. Allele origin: germline.

NM_153000.5(APCDD1):c.754C>G (p.Pro252Ala)

Gene: APCDD1 (APC down-regulated 1; plus strand). Cytogenetic location: 18p11.22.
Variant type: single nucleotide variant.
Coding change: c.754C>G on transcript NM_153000.5 (MANE Select); coding-DNA position 754, C replaced by G.
Protein change: p.Pro252Ala; replaces proline 252 with alanine.
Molecular consequence: missense variant.
Genome position (GRCh38, 1-based): chr18:10,472,041, C>G. VCF-style: chr18-10472041-C-G. GRCh37 (hg19) VCF-style: chr18-10472038-C-G.
Other names: short protein forms P252A.
Identifiers: ClinVar variation 2532994 (VCV002532994.6), dbSNP rs549800578, ClinGen allele CA8891091.